The following is an entry in ClinVar:

NM_001079910.2(LRRIQ1):c.3222C>G (p.Ile1074Met)

Gene: LRRIQ1 (leucine rich repeats and IQ motif containing 1; plus strand). Cytogenetic location: 12q21.31.
Variant type: single nucleotide variant.
Coding change: c.3222C>G on transcript NM_001079910.2 (MANE Select); coding-DNA position 3222, C replaced by G.
Protein change: p.Ile1074Met; replaces isoleucine 1074 with methionine.
Molecular consequence: missense variant.
Genome position (GRCh38, 1-based): chr12:85,104,016, C>G. VCF-style: chr12-85104016-C-G. GRCh37 (hg19) VCF-style: chr12-85497794-C-G.
Other names: short protein forms I1074M.
Identifiers: ClinVar variation 4872028 (VCV004872028.2).
Genomic context (GRCh38, chr12:85,104,016, plus strand): 5'-GGACTTTCCAATTTAGAATTTTGATGAAGTTTTTGTTTTTGTTTTCAGCTTGACTAAAAT[C>G]GTACCACTTTTTCATTTTGTTTCATTGGAAAAGCTAGATGTCAGCCACAATTGTCTTTCT-3'
Protein context (NP_001073379.1, residues 1064-1084): ITISQNSLTK[Ile1074Met]VPLFHFVSLE

ClinVar aggregate classification (germline): Likely benign (1 of 4 stars; one submission).

gnomAD v4.1: 4,028 of 1,565,938 alleles (0.26%); highest among the groups gnomAD compares: Non-Finnish European, 0.31%; 12 homozygotes.

Submission:

CeGaT Center for Human Genetics Tuebingen
Classification: Likely benign. Last evaluated: 2026-06-01. Review status: criteria provided, single submitter. Criteria: CeGaT Center For Human Genetics Tuebingen Variant Classification Criteria Version 2. Collection method: clinical testing. Allele origin: germline. Affected: yes. Observed: 1 variant allele.
Comment: LRRIQ1: BP4, BS2